The following is an entry in ClinVar:

ClinVar aggregate classification (germline): Uncertain significance (1 of 4 stars; one submission).

Submission:

Labcorp Genetics (formerly Invitae), Labcorp
Classification: Uncertain significance. Last evaluated: 2022-05-11. Review status: criteria provided, single submitter. Criteria: Invitae Variant Classification Sherloc (09022015). Collection method: clinical testing. Allele origin: germline.
Comment: This variant has not been reported in the literature in individuals affected with MICAL1-related conditions. This sequence change replaces threonine, which is neutral and polar, with serine, which is neutral and polar, at codon 310 of the MICAL1 protein (p.Thr310Ser). This variant is not present in population databases (gnomAD no frequency). Algorithms developed to predict the effect of missense changes on protein structure and function are either unavailable or do not agree on the potential impact of this missense change (SIFT: "Deleterious"; PolyPhen-2: "Probably Damaging"; Align-GVGD: "Class C0"). In summary, the available evidence is currently insufficient to determine the role of this variant in disease. Therefore, it has been classified as a Variant of Uncertain Significance.

NM_022765.4(MICAL1):c.872C>G (p.Thr291Ser)

Gene: MICAL1 (microtubule associated monooxygenase, calponin and LIM domain containing 1; minus strand). Cytogenetic location: 6q21.
Variant type: single nucleotide variant.
Coding change: c.872C>G on transcript NM_022765.4 (MANE Select); coding-DNA position 872, C replaced by G.
Protein change: p.Thr291Ser; replaces threonine 291 with serine.
Molecular consequence: missense variant.
Genome position (GRCh38, 1-based): chr6:109,451,661, G>C on the plus strand (C>G on the coding strand, the complement: MICAL1 is on the minus strand). VCF-style: chr6-109451661-G-C. GRCh37 (hg19) VCF-style: chr6-109772864-G-C.
Other names: c.872C>G, p.Thr291Ser (NM_001159291.2); c.929C>G, p.Thr310Ser (NM_001286613.2); short protein forms T291S, T310S.
Identifiers: ClinVar variation 1993135 (VCV001993135.4), dbSNP rs2482806167, ClinGen allele CA365232293.